The following is an entry in ClinVar:

ClinVar aggregate classification (germline): Uncertain significance (1 of 4 stars; one submission).

Conditions:
Cardiomyopathy (CMYO). Also called: Cardiomyopathies. Identifiers: Orphanet 167848, MedGen C0878544, MONDO:0004994, HP:0001638. Inheritance: Various modes of inheritance.

gnomAD v4.1: 1 of 1,614,176 alleles (0.000062%); no homozygotes.

Submission:

All of Us Research Program, National Institutes of Health
Classification: Uncertain significance for Cardiomyopathy. Last evaluated: 2024-01-11. Review status: criteria provided, single submitter. Criteria: ACMG Guidelines, 2015. Collection method: clinical testing. Allele origin: germline. Inheritance: Autosomal dominant inheritance. Observed: 1 variant allele, 1 heterozygote.
Comment: This study involves interpretation of variants in research participants for the purpose of population health screening. Participant phenotype was not available at the time of variant classification. Additional details can be found in publication PMID: 35346344, PMCID: PMC8962531

NM_000257.4(MYH7):c.397G>T (p.Val133Leu)

Gene: MYH7 (myosin heavy chain 7; minus strand). Cytogenetic location: 14q11.2.
Variant type: single nucleotide variant.
Coding change: c.397G>T on transcript NM_000257.4 (MANE Select); coding-DNA position 397, G replaced by T.
Protein change: p.Val133Leu; replaces valine 133 with leucine.
Molecular consequence: missense variant.
Genome position (GRCh38, 1-based): chr14:23,432,744, C>A on the plus strand (G>T on the coding strand, the complement: MYH7 is on the minus strand). VCF-style: chr14-23432744-C-A. GRCh37 (hg19) VCF-style: chr14-23901953-C-A.
Other names: c.397G>T, p.Val133Leu (NM_001407004.1); short protein forms V133L.
Identifiers: ClinVar variation 3075216 (VCV003075216.1), dbSNP rs199637885, ClinGen allele CA389052902.